The following is an entry in ClinVar:

ClinVar aggregate classification (germline): Uncertain significance (1 of 4 stars; one submission).

Submission:

Labcorp Genetics (formerly Invitae), Labcorp
Classification: Uncertain significance. Last evaluated: 2026-01-17. Review status: criteria provided, single submitter. Criteria: Invitae Variant Classification Sherloc (09022015). Collection method: clinical testing. Allele origin: germline.
Comment: This sequence change replaces alanine, which is neutral and non-polar, with glycine, which is neutral and non-polar, at codon 1161 of the FLNB protein (p.Ala1161Gly). This variant is not present in population databases (gnomAD no frequency). This variant has not been reported in the literature in individuals affected with FLNB-related conditions. Invitae Evidence Modeling of protein sequence and biophysical properties (such as structural, functional, and spatial information, amino acid conservation, physicochemical variation, residue mobility, and thermodynamic stability) indicates that this missense variant is not expected to disrupt FLNB protein function with a negative predictive value of 95%. In summary, the available evidence is currently insufficient to determine the role of this variant in disease. Therefore, it has been classified as a Variant of Uncertain Significance.

NM_001457.4(FLNB):c.3482C>G (p.Ala1161Gly)

Gene: FLNB (filamin B; plus strand). Cytogenetic location: 3p14.3.
Variant type: single nucleotide variant.
Coding change: c.3482C>G on transcript NM_001457.4 (MANE Select); coding-DNA position 3482, C replaced by G.
Protein change: p.Ala1161Gly; replaces alanine 1161 with glycine.
Molecular consequence: missense variant.
Genome position (GRCh38, 1-based): chr3:58,123,448, C>G. VCF-style: chr3-58123448-C-G. GRCh37 (hg19) VCF-style: chr3-58109175-C-G.
Other names: c.3482C>G, p.Ala1161Gly (NM_001164317.2, NM_001164318.2, NM_001164319.2); short protein forms A1161G.
Identifiers: ClinVar variation 4801707 (VCV004801707.1).